The following is an entry in ClinVar:

ClinVar aggregate classification (germline): Uncertain significance (1 of 4 stars; one submission).

Conditions:
Lipodystrophy, partial, acquired, susceptibility to (APLD). Also called: APLD, SUSCEPTIBILITY TO. Identifiers: MedGen C3887501, MONDO:0100476, OMIM 608709.
Progressive myoclonic epilepsy type 9. Identifiers: Orphanet 457265, MedGen C4225289, MONDO:0014685, OMIM 616540.

Submission:

Labcorp Genetics (formerly Invitae), Labcorp
Classification: Uncertain significance for Progressive myoclonic epilepsy type 9; Lipodystrophy, partial, acquired, susceptibility to. Last evaluated: 2018-10-20. Review status: criteria provided, single submitter. Criteria: Invitae Variant Classification Sherloc (09022015). Collection method: clinical testing. Allele origin: germline.
Comment: In summary, the available evidence is currently insufficient to determine the role of this variant in disease. Therefore, it has been classified as a Variant of Uncertain Significance. Algorithms developed to predict the effect of missense changes on protein structure and function output the following: SIFT: "Tolerated"; PolyPhen-2: "Benign"; Align-GVGD: "Class C0". The serine amino acid residue is found in multiple mammalian species, suggesting that this missense change does not adversely affect protein function. These predictions have not been confirmed by published functional studies and their clinical significance is uncertain. This variant has not been reported in the literature in individuals with LMNB2-related disease. This variant is not present in population databases (ExAC no frequency). This sequence change replaces alanine with serine at codon 165 of the LMNB2 protein (p.Ala165Ser). The alanine residue is moderately conserved and there is a moderate physicochemical difference between alanine and serine.

NM_032737.4(LMNB2):c.493G>T (p.Ala165Ser)

Gene: LMNB2 (lamin B2; minus strand). Cytogenetic location: 19p13.3.
Variant type: single nucleotide variant.
Coding change: c.493G>T on transcript NM_032737.4 (MANE Select); coding-DNA position 493, G replaced by T.
Protein change: p.Ala165Ser; replaces alanine 165 with serine.
Molecular consequence: missense variant.
Genome position (GRCh38, 1-based): chr19:2,438,440, C>A on the plus strand (G>T on the coding strand, the complement: LMNB2 is on the minus strand). VCF-style: chr19-2438440-C-A. GRCh37 (hg19) VCF-style: chr19-2438438-C-A.
Other names: short protein forms A165S.
Identifiers: ClinVar variation 647503 (VCV000647503.8), dbSNP rs751675653, ClinGen allele CA403257503.